The following is an entry in ClinVar:

NM_001148.6(ANK2):c.1241T>C (p.Met414Thr)

Gene: ANK2 (ankyrin 2; plus strand). Cytogenetic location: 4q26.
Variant type: single nucleotide variant.
Coding change: c.1241T>C on transcript NM_001148.6 (MANE Select); coding-DNA position 1241, T replaced by C.
Protein change: p.Met414Thr; replaces methionine 414 with threonine.
Molecular consequence: missense variant. On other transcripts: intron variant (5).
Genome position (GRCh38, 1-based): chr4:113,258,102, T>C. VCF-style: chr4-113258102-T-C. GRCh37 (hg19) VCF-style: chr4-114179258-T-C.
Other names: c.1178T>C, p.Met393Thr (NM_001127493.3, NM_001354239.2, NM_001354243.2 and 14 more transcripts); c.1241T>C, p.Met414Thr (NM_001354225.2, NM_001354228.2, NM_001354232.2 and 8 more transcripts); c.1286T>C, p.Met429Thr (NM_001354230.2, NM_001354231.2, NM_001354237.2 and 5 more transcripts); c.1154T>C, p.Met385Thr (NM_001354249.2, NM_001354260.2, NM_001354264.2 and 13 more transcripts); c.1199T>C, p.Met400Thr (NM_001354261.2, NM_001386147.1, NM_001386160.1); c.1229T>C, p.Met410Thr (NM_001386148.2, NM_001386186.2); c.1292T>C, p.Met431Thr (NM_001386174.1); c.1268T>C, p.Met423Thr (NM_001386175.1); and 4 more; short protein forms M402T, M414T, M431T, M385T, M410T, M393T, M400T, M429T.
Identifiers: ClinVar variation 3016569 (VCV003016569.3), dbSNP rs766783259, ClinGen allele CA3050227.
Genomic context (GRCh38, chr4:113,258,102, plus strand): 5'-TTGCACAGAATGGTTTTACTCCACTGCACATTGCCTGCAAGAAAAACCGCATCAAAGTCA[T>C]GGAACTGCTGGTGAAATATGGGGCTTCAATCCAAGCTATAACAGAGGTAGAAAAATGTTT-3'
Protein context (NP_001139.3, residues 404-424): IACKKNRIKV[Met414Thr]ELLVKYGASI

ClinVar aggregate classification (germline): Uncertain significance (1 of 4 stars; one submission).

Conditions:
Long QT syndrome (LQTS). Identifiers: MedGen C0023976, MeSH D008133, MONDO:0002442. Disease mechanism: loss of function. Inheritance: Various modes of inheritance.

Allele frequency attached by ClinVar (database versions not stated): gnomAD exomes below 0.00001; TOPMed below 0.00001; ExAC 0.00001.
gnomAD v4.1: 2 of 1,614,206 alleles (0.00012%); highest among the groups gnomAD compares: Non-Finnish European, 0.00017%; no homozygotes.

Submission:

Labcorp Genetics (formerly Invitae), Labcorp
Classification: Uncertain significance for Long QT syndrome. Last evaluated: 2025-08-31. Review status: criteria provided, single submitter. Criteria: Invitae Variant Classification Sherloc (09022015). Collection method: clinical testing. Allele origin: germline.
Comment: This sequence change replaces methionine, which is neutral and non-polar, with threonine, which is neutral and polar, at codon 414 of the ANK2 protein (p.Met414Thr). This variant is present in population databases (rs766783259, gnomAD 0.0009%). This variant has not been reported in the literature in individuals affected with ANK2-related conditions. ClinVar contains an entry for this variant (Variation ID: 3016569). Invitae Evidence Modeling of protein sequence and biophysical properties (such as structural, functional, and spatial information, amino acid conservation, physicochemical variation, residue mobility, and thermodynamic stability) indicates that this missense variant is not expected to disrupt ANK2 protein function with a negative predictive value of 80%. In summary, the available evidence is currently insufficient to determine the role of this variant in disease. Therefore, it has been classified as a Variant of Uncertain Significance.